The following is an entry in ClinVar:

ClinVar aggregate classification (germline): Uncertain significance (1 of 4 stars; one submission).

Conditions:
Hereditary cancer-predisposing syndrome. Also called: Neoplastic Syndromes, Hereditary; Tumor predisposition; Hereditary Cancer Syndrome; Hereditary neoplastic syndrome. Identifiers: Orphanet 140162, MedGen C0027672, MeSH D009386, MONDO:0015356.

Submission:

Ambry Genetics
Classification: Uncertain significance for Hereditary cancer-predisposing syndrome. Last evaluated: 2026-02-18. Review status: criteria provided, single submitter. Criteria: Ambry Variant Classification Scheme 2023. Collection method: clinical testing. Allele origin: germline.
Comment: The p.I2541N variant (also known as c.7622T>A), located in coding exon 15 of the APC gene, results from a T to A substitution at nucleotide position 7622. The isoleucine at codon 2541 is replaced by asparagine, an amino acid with dissimilar properties. This amino acid position is conserved. In addition, in silico predictors for this gene do not accurately predict pathogenicity. Based on the available evidence, the clinical significance of this variant remains unclear.

NM_000038.6(APC):c.7622T>A (p.Ile2541Asn)

Gene: APC (APC regulator of Wnt signaling pathway; plus strand). Cytogenetic location: 5q22.2.
Variant type: single nucleotide variant.
Coding change: c.7622T>A on transcript NM_000038.6 (MANE Select); coding-DNA position 7622, T replaced by A.
Protein change: p.Ile2541Asn; replaces isoleucine 2541 with asparagine.
Molecular consequence: missense variant. On other transcripts: non-coding transcript variant (2).
Genome position (GRCh38, 1-based): chr5:112,843,216, T>A. VCF-style: chr5-112843216-T-A. GRCh37 (hg19) VCF-style: chr5-112178913-T-A.
Other names: c.7622T>A, p.Ile2541Asn (NM_001127510.3, NM_001354895.2, NM_001407450.1); c.7568T>A, p.Ile2523Asn (NM_001127511.3); c.7676T>A, p.Ile2559Asn (NM_001354896.2, NM_001407447.1, NM_001407448.1 and 1 more transcripts); c.7652T>A, p.Ile2551Asn (NM_001354897.2); c.7547T>A, p.Ile2516Asn (NM_001354898.2); c.7538T>A, p.Ile2513Asn (NM_001354899.2); c.7499T>A, p.Ile2500Asn (NM_001354900.2); c.7445T>A, p.Ile2482Asn (NM_001354901.2, NM_001407453.1); and 11 more; short protein forms I2258N, I2381N, I2415N, I2513N, I2450N, I2541N, I2569N, I2516N.
Identifiers: ClinVar variation 4825055 (VCV004825055.1).